The following is an entry in ClinVar:

NM_003265.3(TLR3):c.2110C>T (p.Leu704Phe)

Gene: TLR3 (toll like receptor 3; plus strand). Cytogenetic location: 4q35.1.
Variant type: single nucleotide variant.
Coding change: c.2110C>T on transcript NM_003265.3 (MANE Select); coding-DNA position 2110, C replaced by T.
Protein change: p.Leu704Phe; replaces leucine 704 with phenylalanine.
Molecular consequence: missense variant.
Genome position (GRCh38, 1-based): chr4:186,083,796, C>T. VCF-style: chr4-186083796-C-T. GRCh37 (hg19) VCF-style: chr4-187004950-C-T.
Other names: short protein forms L704F.
Identifiers: ClinVar variation 2970307 (VCV002970307.3), dbSNP rs1205194103, ClinGen allele CA358935029.
Genomic context (GRCh38, chr4:186,083,796, plus strand): 5'-CATGGGTTCCCAGTGAGACTTTTTGATACATCATCTTGCAAAGACAGTGCCCCCTTTGAA[C>T]TCTTTTTCATGATCAATACCAGTATCCTGTTGATTTTTATCTTTATTGTACTTCTCATCC-3'
Protein context (NP_003256.1, residues 694-714): SSCKDSAPFE[Leu704Phe]FFMINTSILL

ClinVar aggregate classification (germline): Uncertain significance (1 of 4 stars; one submission).

Conditions:
Encephalopathy, acute, infection-induced (herpes-specific), susceptibility to, 1. Also called: Herpes simplex encephalitis, susceptibility to, 1. Identifiers: Orphanet 1930, MedGen C2750180, MONDO:0024563, OMIM 610551.

Allele frequency attached by ClinVar (database versions not stated): gnomAD exomes below 0.00001; gnomAD 0.00002; TOPMed 0.00002.
gnomAD v4.1: 5 of 1,613,900 alleles (0.00031%); highest among the groups gnomAD compares: African/African-American, 0.0067%; no homozygotes.

Submission:

Labcorp Genetics (formerly Invitae), Labcorp
Classification: Uncertain significance for Encephalopathy, acute, infection-induced (herpes-specific), susceptibility to, 1. Last evaluated: 2023-04-09. Review status: criteria provided, single submitter. Criteria: Invitae Variant Classification Sherloc (09022015). Collection method: clinical testing. Allele origin: germline.
Comment: This sequence change replaces leucine, which is neutral and non-polar, with phenylalanine, which is neutral and non-polar, at codon 704 of the TLR3 protein (p.Leu704Phe). This variant is not present in population databases (gnomAD no frequency). In summary, the available evidence is currently insufficient to determine the role of this variant in disease. Therefore, it has been classified as a Variant of Uncertain Significance. An algorithm developed to predict the effect of missense changes on protein structure and function (PolyPhen-2) suggests that this variant is likely to be disruptive. This variant has not been reported in the literature in individuals affected with TLR3-related conditions.